The following is an entry in ClinVar:

ClinVar aggregate classification (germline): Uncertain significance (1 of 4 stars; one submission).

Conditions:
Leigh syndrome (NULS). Also called: Leigh's syndrome; Leigh Disease; Subacute necrotizing encephalopathy; Necrotizing encephalopathy infantile subacute of Leigh; LEIGH SYNDROME, NUCLEAR; Leigh's necrotizing encephalopathy. Identifiers: Orphanet 506, MedGen C2931891, MONDO:0009723, OMIM 256000.

gnomAD v4.1: 1 of 1,613,900 alleles (0.000062%); highest among the groups gnomAD compares: Admixed American, 0.0017%; no homozygotes.

Submission:

Labcorp Genetics (formerly Invitae), Labcorp
Classification: Uncertain significance for Leigh syndrome. Last evaluated: 2025-04-20. Review status: criteria provided, single submitter. Criteria: Invitae Variant Classification Sherloc (09022015). Collection method: clinical testing. Allele origin: germline.
Comment: This sequence change replaces leucine, which is neutral and non-polar, with histidine, which is basic and polar, at codon 281 of the SURF1 protein (p.Leu281His). This variant is present in population databases (no rsID available, gnomAD 0.003%). This variant has not been reported in the literature in individuals affected with SURF1-related conditions. Invitae Evidence Modeling of protein sequence and biophysical properties (such as structural, functional, and spatial information, amino acid conservation, physicochemical variation, residue mobility, and thermodynamic stability) indicates that this missense variant is expected to disrupt SURF1 protein function with a positive predictive value of 95%. In summary, the available evidence is currently insufficient to determine the role of this variant in disease. Therefore, it has been classified as a Variant of Uncertain Significance.

NM_003172.4(SURF1):c.842T>A (p.Leu281His)

Gene: SURF1 (SURF1 cytochrome c oxidase assembly factor; minus strand). Cytogenetic location: 9q34.2.
Variant type: single nucleotide variant.
Coding change: c.842T>A on transcript NM_003172.4 (MANE Select); coding-DNA position 842, T replaced by A.
Protein change: p.Leu281His; replaces leucine 281 with histidine.
Molecular consequence: missense variant.
Genome position (GRCh38, 1-based): chr9:133,351,974, A>T on the plus strand (T>A on the coding strand, the complement: SURF1 is on the minus strand). VCF-style: chr9-133351974-A-T. GRCh37 (hg19) VCF-style: chr9-136218829-A-T.
Other names: c.515T>A, p.Leu172His (NM_001280787.1); short protein forms L172H, L281H.
Identifiers: ClinVar variation 4779700 (VCV004779700.1).